The following is an entry in ClinVar:

NM_012473.4(TXN2):c.349G>A (p.Asp117Asn)

Gene: TXN2 (thioredoxin 2; minus strand). Cytogenetic location: 22q12.3.
Variant type: single nucleotide variant.
Coding change: c.349G>A on transcript NM_012473.4 (MANE Select); coding-DNA position 349, G replaced by A.
Protein change: p.Asp117Asn; replaces aspartic acid 117 with asparagine.
Molecular consequence: missense variant.
Genome position (GRCh38, 1-based): chr22:36,476,771, C>T on the plus strand (G>A on the coding strand, the complement: TXN2 is on the minus strand). VCF-style: chr22-36476771-C-T. GRCh37 (hg19) VCF-style: chr22-36872818-C-T.
Other names: NC_000022.10:g.36872818C>T; short protein forms D117N.
Identifiers: ClinVar variation 4458154 (VCV004458154.2).
Genomic context (GRCh38, chr22:36,476,771, plus strand): 5'-GCAACTCCCTGTCAATCCATACCTCATACTCAATGGCGAGGTCTGTGTGGTCATCAATAT[C>T]CACCTTGGCCATCACCACCTTCCCGTGCTGCTTGGCCACCATCTTCTCTAACCTCGGCCC-3'
Protein context (NP_036605.2, residues 107-127): QHGKVVMAKV[Asp117Asn]IDDHTDLAIE

ClinVar aggregate classification (germline): Uncertain significance (1 of 4 stars; one submission).

gnomAD v4.1: 87 of 1,614,186 alleles (0.0054%); highest among the groups gnomAD compares: African/African-American, 0.11%; no homozygotes.

Submissions (2):

Labcorp Genetics (formerly Invitae), Labcorp
Classification: Uncertain significance. Last evaluated: 2025-07-29. Review status: criteria provided, single submitter. Criteria: Invitae Variant Classification Sherloc (09022015). Collection method: clinical testing. Allele origin: germline.
Comment: This sequence change replaces aspartic acid, which is acidic and polar, with asparagine, which is neutral and polar, at codon 117 of the TXN2 protein (p.Asp117Asn). This variant is present in population databases (rs150850412, gnomAD 0.09%), and has an allele count higher than expected for a pathogenic variant. This variant has not been reported in the literature in individuals affected with TXN2-related conditions. An algorithm developed to predict the effect of missense changes on protein structure and function (PolyPhen-2) suggests that this variant is likely to be disruptive. In summary, the available evidence is currently insufficient to determine the role of this variant in disease. Therefore, it has been classified as a Variant of Uncertain Significance.

Dr. Peter K. Rogan Lab, Western University
No classification provided (evidence only). Condition: Lung cancer. Review status: no classification provided. Collection method: in vitro. Allele origin: not applicable. Functional consequence: cryptic splice site, retained intron. Not counted in ClinVar's aggregate classification.